The following is an entry in ClinVar:

NM_001243133.2(NLRP3):c.2772C>G (p.Asp924Glu)

Gene: NLRP3 (NLR family pyrin domain containing 3; plus strand). Cytogenetic location: 1q44.
Variant type: single nucleotide variant.
Coding change: c.2772C>G on transcript NM_001243133.2 (MANE Select); coding-DNA position 2772, C replaced by G.
Protein change: p.Asp924Glu; replaces aspartic acid 924 with glutamic acid.
Molecular consequence: missense variant.
Genome position (GRCh38, 1-based): chr1:247,444,080, C>G. VCF-style: chr1-247444080-C-G. GRCh37 (hg19) VCF-style: chr1-247607382-C-G.
Other names: c.2772C>G, p.Asp924Glu (NM_001079821.3); c.2601C>G, p.Asp867Glu (NM_001127461.3, NM_001127462.3); c.2778C>G, p.Asp926Glu (NM_004895.5); c.2430C>G, p.Asp810Glu (NM_183395.3); short protein forms D924E, D926E, D810E, D867E.
Identifiers: ClinVar variation 1348758 (VCV001348758.6), dbSNP rs2103233246, ClinGen allele CA345565162.

ClinVar aggregate classification (germline): Uncertain significance (1 of 4 stars; one submission).

Conditions:
Cryopyrin associated periodic syndrome (CAPS). Identifiers: Orphanet 208650, MedGen C2316212, MONDO:0016168.

Submission:

Labcorp Genetics (formerly Invitae), Labcorp
Classification: Uncertain significance for Cryopyrin associated periodic syndrome. Last evaluated: 2024-10-26. Review status: criteria provided, single submitter. Criteria: Invitae Variant Classification Sherloc (09022015). Collection method: clinical testing. Allele origin: germline.
Comment: This sequence change replaces aspartic acid, which is acidic and polar, with glutamic acid, which is acidic and polar, at codon 926 of the NLRP3 protein (p.Asp926Glu). This variant is not present in population databases (gnomAD no frequency). This variant has not been reported in the literature in individuals affected with NLRP3-related conditions. ClinVar contains an entry for this variant (Variation ID: 1348758). Invitae Evidence Modeling of protein sequence and biophysical properties (such as structural, functional, and spatial information, amino acid conservation, physicochemical variation, residue mobility, and thermodynamic stability) has been performed for this missense variant. However, the output from this modeling did not meet the statistical confidence thresholds required to predict the impact of this variant on NLRP3 protein function. In summary, the available evidence is currently insufficient to determine the role of this variant in disease. Therefore, it has been classified as a Variant of Uncertain Significance.